The following is an entry in ClinVar:

ClinVar aggregate classification (germline): Uncertain significance (1 of 4 stars; one submission).

Conditions:
Hereditary cancer-predisposing syndrome. Also called: Neoplastic Syndromes, Hereditary; Tumor predisposition; Hereditary Cancer Syndrome; Hereditary neoplastic syndrome. Identifiers: Orphanet 140162, MedGen C0027672, MeSH D009386, MONDO:0015356.

Allele frequency attached by ClinVar (database versions not stated): gnomAD exomes below 0.00001.
gnomAD v4.1: 1 of 1,614,138 alleles (0.000062%); highest among the groups gnomAD compares: Non-Finnish European, 0.000085%; no homozygotes.

Submission:

Ambry Genetics
Classification: Uncertain significance for Hereditary cancer-predisposing syndrome. Last evaluated: 2022-10-03. Review status: criteria provided, single submitter. Criteria: Ambry Variant Classification Scheme 2023. Collection method: clinical testing. Allele origin: germline.
Comment: The p.H73R variant (also known as c.218A>G), located in coding exon 1 of the PHOX2B gene, results from an A to G substitution at nucleotide position 218. The histidine at codon 73 is replaced by arginine, an amino acid with highly similar properties. This amino acid position is conserved. In addition, this alteration is predicted to be deleterious by in silico analysis. Since supporting evidence is limited at this time, the clinical significance of this alteration remains unclear.

NM_003924.4(PHOX2B):c.218A>G (p.His73Arg)

Genes: PHOX2B-AS1 (PHOX2B antisense RNA 1; plus strand), PHOX2B (paired like homeobox 2B; minus strand). Cytogenetic location: 4p13.
Variant type: single nucleotide variant.
Coding change: c.218A>G on transcript NM_003924.4 (MANE Select); coding-DNA position 218, A replaced by G.
Protein change: p.His73Arg; replaces histidine 73 with arginine.
Molecular consequence: missense variant.
Genome position (GRCh38, 1-based): chr4:41,748,393, T>C on the plus strand (A>G on the coding strand, the complement: PHOX2B is on the minus strand). VCF-style: chr4-41748393-T-C. GRCh37 (hg19) VCF-style: chr4-41750410-T-C.
Other names: short protein forms H73R.
Identifiers: ClinVar variation 1787388 (VCV001787388.2), dbSNP rs2552097162, ClinGen allele CA356740828.